The following is an entry in ClinVar:

NM_052859.4(RFT1):c.968C>G (p.Ala323Gly)

Gene: RFT1 (RFT1 glycolipid translocator homolog; minus strand). Cytogenetic location: 3p21.1.
Variant type: single nucleotide variant.
Coding change: c.968C>G on transcript NM_052859.4 (MANE Select); coding-DNA position 968, C replaced by G.
Protein change: p.Ala323Gly; replaces alanine 323 with glycine.
Molecular consequence: missense variant.
Genome position (GRCh38, 1-based): chr3:53,104,087, G>C on the plus strand (C>G on the coding strand, the complement: RFT1 is on the minus strand). VCF-style: chr3-53104087-G-C. GRCh37 (hg19) VCF-style: chr3-53138103-G-C.
Other names: c.968C>G (NM_052859.3); short protein forms A323G.
Identifiers: ClinVar variation 1423398 (VCV001423398.5), dbSNP rs770086765, ClinGen allele CA2451273.
Genomic context (GRCh38, chr3:53,104,087, plus strand): 5'-ATGGTCAGGCCGGCCAGCAGGGCCAGCTTGAGCAGGGACTCCAAGACTGCAGCAGCCACA[G>C]CAACGTCCTCCTGGGGCCAGGGAAGAGGGAAGGAAGTTGGATGAATCATGAGCTGAAGAA-3'
Protein context (NP_443091.1, residues 313-333): DATLQKQEDV[Ala323Gly]VAAAVLESLL

ClinVar aggregate classification (germline): Uncertain significance. Review status: criteria provided, multiple submitters, no conflicts (2 of 4 stars). 2 submissions from 2 submitters: Uncertain significance (2). Last evaluated 2024-04-15.

Conditions:
Inborn genetic diseases. Identifiers: MedGen C0950123, MeSH D030342.
RFT1-congenital disorder of glycosylation (CDG1N). Also called: Congenital disorder of glycosylation type In; CDG In; RFT1-CDG. Identifiers: Orphanet 244310, MedGen C2677590, MONDO:0012783, OMIM 612015.

Allele frequency attached by ClinVar (database versions not stated): ExAC 0.00001; gnomAD 0.00001; gnomAD exomes 0.00001 and 0.00003; TOPMed 0.00002.
gnomAD v4.1: 39 of 1,614,064 alleles (0.0024%); highest among the groups gnomAD compares: Non-Finnish European, 0.0033%; no homozygotes.

Submissions (2):

Ambry Genetics
Classification: Uncertain significance for Inborn genetic diseases. Last evaluated: 2024-04-15. Review status: criteria provided, single submitter. Criteria: Ambry Variant Classification Scheme 2023. Collection method: clinical testing. Allele origin: germline.

Labcorp Genetics (formerly Invitae), Labcorp
Classification: Uncertain significance for RFT1-congenital disorder of glycosylation. Last evaluated: 2021-10-27. Review status: criteria provided, single submitter. Criteria: Invitae Variant Classification Sherloc (09022015). Collection method: clinical testing. Allele origin: germline.
Comment: This sequence change replaces alanine, a(n) neutral and non-polar amino acid, with glycine, a(n) neutral and non-polar amino acid, at codon 323 of the RFT1 protein (p.Ala323Gly). In summary, the available evidence is currently insufficient to determine the role of this variant in disease. Therefore, it has been classified as a Variant of Uncertain Significance. Algorithms developed to predict the effect of sequence changes on RNA splicing suggest that this variant may create or strengthen a splice site. Algorithms developed to predict the effect of missense changes on protein structure and function are either unavailable or do not agree on the potential impact of this missense change (SIFT: "Tolerated"; PolyPhen-2: "Possibly Damaging"; Align-GVGD: "Class C0"). This variant has not been reported in the literature in individuals affected with RFT1-related conditions. This variant is present in population databases (rs770086765, gnomAD 0.003%).